The following is an entry in ClinVar:

NM_003001.5(SDHC):c.51C>A (p.His17Gln)

Gene: SDHC (succinate dehydrogenase complex subunit C; plus strand). Cytogenetic location: 1q23.3.
Variant type: single nucleotide variant.
Coding change: c.51C>A on transcript NM_003001.5 (MANE Select); coding-DNA position 51, C replaced by A.
Protein change: p.His17Gln; replaces histidine 17 with glutamine.
Molecular consequence: missense variant. On other transcripts: 5 prime UTR variant (2), non-coding transcript variant (1), intron variant (4).
Genome position (GRCh38, 1-based): chr1:161,323,644, C>A. VCF-style: chr1-161323644-C-A. GRCh37 (hg19) VCF-style: chr1-161293434-C-A.
Other names: c.51C>A, p.His17Gln (NM_001035511.3, NM_001035512.3, NM_001278172.3 and 2 more transcripts); c.-61C>A (NM_001407119.1); c.-179C>A (NM_001407120.1); c.21-4752C>A (NM_001407116.1, NM_001407121.1, NM_001407117.1); c.20+9219C>A (NM_001035513.3); short protein forms H17Q.
Identifiers: ClinVar variation 825536 (VCV000825536.8), dbSNP rs1571843732, ClinGen allele CA343359474.

ClinVar aggregate classification (germline): Uncertain significance. Review status: criteria provided, multiple submitters, no conflicts (2 of 4 stars). 2 submissions from 2 submitters: Uncertain significance (2). Last evaluated 2024-11-13.

Conditions:
Hereditary cancer-predisposing syndrome. Also called: Neoplastic Syndromes, Hereditary; Tumor predisposition; Hereditary Cancer Syndrome; Hereditary neoplastic syndrome. Identifiers: Orphanet 140162, MedGen C0027672, MeSH D009386, MONDO:0015356.
Pheochromocytoma/paraganglioma syndrome 3. Also called: GLOMUS TUMORS, FAMILIAL, 3; Paragangliomas 3; SDHC-Related Hereditary Paraganglioma-Pheochromocytoma Syndrome (Paragangliomas 3); SDHC-Related Hereditary Paraganglioma-Pheochromocytoma Syndrome. Identifiers: Orphanet 29072, MedGen C1854336, MONDO:0011544, OMIM 605373.
Gastrointestinal stromal tumor. Also called: Gastrointestinal stromal tumor, somatic; Gastrointestinal stroma tumor. Identifiers: Orphanet 44890, MedGen C0238198, MeSH D046152, MONDO:0011719, OMIM 606764, HP:0100723.

Submissions (2):

Labcorp Genetics (formerly Invitae), Labcorp
Classification: Uncertain significance for Pheochromocytoma/paraganglioma syndrome 3; Gastrointestinal stromal tumor. Last evaluated: 2024-11-13. Review status: criteria provided, single submitter. Criteria: Invitae Variant Classification Sherloc (09022015). Collection method: clinical testing. Allele origin: germline.
Comment: This sequence change replaces histidine, which is basic and polar, with glutamine, which is neutral and polar, at codon 17 of the SDHC protein (p.His17Gln). This variant is not present in population databases (gnomAD no frequency). This variant has not been reported in the literature in individuals affected with SDHC-related conditions. ClinVar contains an entry for this variant (Variation ID: 825536). An algorithm developed to predict the effect of missense changes on protein structure and function (PolyPhen-2) suggests that this variant is likely to be tolerated. In summary, the available evidence is currently insufficient to determine the role of this variant in disease. Therefore, it has been classified as a Variant of Uncertain Significance.

Ambry Genetics
Classification: Uncertain significance for Hereditary cancer-predisposing syndrome. Last evaluated: 2023-04-04. Review status: criteria provided, single submitter. Criteria: Ambry Variant Classification Scheme 2023. Collection method: clinical testing. Allele origin: germline.
Comment: The p.H17Q variant (also known as c.51C>A), located in coding exon 2 of the SDHC gene, results from a C to A substitution at nucleotide position 51. The histidine at codon 17 is replaced by glutamine, an amino acid with highly similar properties. This amino acid position is well conserved in available vertebrate species. In addition, the in silico prediction for this alteration is inconclusive. Since supporting evidence is limited at this time, the clinical significance of this alteration remains unclear.